The following is an entry in ClinVar:

ClinVar aggregate classification (germline): Uncertain significance (1 of 4 stars; one submission).

Allele frequency attached by ClinVar (database versions not stated): gnomAD exomes below 0.00001; TOPMed below 0.00001; gnomAD 0.00001.

Submission:

GeneDx
Classification: Uncertain significance. Last evaluated: 2024-07-14. Review status: criteria provided, single submitter. Criteria: GeneDx Variant Classification Process June 2021. Collection method: clinical testing. Allele origin: germline. Affected: yes.
Comment: In silico analysis supports that this missense variant has a deleterious effect on protein structure/function; Has not been previously published as pathogenic or benign to our knowledge

NM_014233.4(UBTF):c.1775C>T (p.Pro592Leu)

Genes: ATXN7L3-AS1 (ATXN7L3 antisense RNA 1; plus strand), UBTF (upstream binding transcription factor; minus strand). Cytogenetic location: 17q21.31.
Variant type: single nucleotide variant.
Coding change: c.1775C>T on transcript NM_014233.4 (MANE Select); coding-DNA position 1775, C replaced by T.
Protein change: p.Pro592Leu; replaces proline 592 with leucine.
Molecular consequence: missense variant. On other transcripts: non-coding transcript variant (1).
Genome position (GRCh38, 1-based): chr17:44,209,482, G>A on the plus strand (C>T on the coding strand, the complement: UBTF is on the minus strand). VCF-style: chr17-44209482-G-A. GRCh37 (hg19) VCF-style: chr17-42286850-G-A.
Other names: c.1664C>T, p.Pro555Leu (NM_001076683.2, NM_001076684.3); short protein forms P555L, P592L.
Identifiers: ClinVar variation 1310502 (VCV001310502.3), dbSNP rs1439246240, ClinGen allele CA399756792.